The following is an entry in ClinVar:

ClinVar aggregate classification (germline): Uncertain significance (1 of 4 stars; one submission).

Conditions:
Aicardi-Goutieres syndrome 7 (AGS7). Identifiers: Orphanet 51, MedGen C3888244, MONDO:0014367, OMIM 615846.
Singleton-Merten syndrome 1 (SGMRT1). Also called: Widened medullary cavities of bone, aortic calcification, abnormal dentition, and muscular weakness; Syndrome of widened medullary cavities of the metacarpals and phalanges, aortic calcification and abnormal dentition. Identifiers: Orphanet 85191, MedGen C4225427, MONDO:0024535, OMIM 182250.

Submission:

Labcorp Genetics (formerly Invitae), Labcorp
Classification: Uncertain significance for Aicardi-Goutieres syndrome 7; Singleton-Merten syndrome 1. Last evaluated: 2022-06-25. Review status: criteria provided, single submitter. Criteria: Invitae Variant Classification Sherloc (09022015). Collection method: clinical testing. Allele origin: germline.
Comment: In summary, the available evidence is currently insufficient to determine the role of this variant in disease. Therefore, it has been classified as a Variant of Uncertain Significance. Algorithms developed to predict the effect of missense changes on protein structure and function are either unavailable or do not agree on the potential impact of this missense change (SIFT: "Deleterious"; PolyPhen-2: "Possibly Damaging"; Align-GVGD: "Class C0"). This variant has not been reported in the literature in individuals affected with IFIH1-related conditions. This variant is not present in population databases (gnomAD no frequency). This sequence change replaces isoleucine, which is neutral and non-polar, with phenylalanine, which is neutral and non-polar, at codon 441 of the IFIH1 protein (p.Ile441Phe).

NM_022168.4(IFIH1):c.1321A>T (p.Ile441Phe)

Gene: IFIH1 (interferon induced with helicase C domain 1; minus strand). Cytogenetic location: 2q24.2.
Variant type: single nucleotide variant.
Coding change: c.1321A>T on transcript NM_022168.4 (MANE Select); coding-DNA position 1321, A replaced by T.
Protein change: p.Ile441Phe; replaces isoleucine 441 with phenylalanine.
Molecular consequence: missense variant.
Genome position (GRCh38, 1-based): chr2:162,281,531, T>A on the plus strand (A>T on the coding strand, the complement: IFIH1 is on the minus strand). VCF-style: chr2-162281531-T-A. GRCh37 (hg19) VCF-style: chr2-163138041-T-A.
Other names: short protein forms I441F.
Identifiers: ClinVar variation 2007848 (VCV002007848.4), dbSNP rs2105202129, ClinGen allele CA349002594.